The following is an entry in ClinVar:

NM_024408.4(NOTCH2):c.1905A>G (p.Pro635=)

Gene: NOTCH2 (notch receptor 2; minus strand). Cytogenetic location: 1p12.
Variant type: single nucleotide variant.
Coding change: c.1905A>G on transcript NM_024408.4 (MANE Select); coding-DNA position 1905, A replaced by G.
Protein change: p.Pro635=; no amino-acid change (proline 635 retained).
Molecular consequence: synonymous variant.
Genome position (GRCh38, 1-based): chr1:119,963,584, T>C on the plus strand (A>G on the coding strand, the complement: NOTCH2 is on the minus strand). VCF-style: chr1-119963584-T-C. GRCh37 (hg19) VCF-style: chr1-120506207-T-C.
Other names: c.1905A>G, p.Pro635= (NM_001200001.2); c.1905A>G (NM_024408.3).
Identifiers: ClinVar variation 2157906 (VCV002157906.6), dbSNP rs782350534, ClinGen allele CA1040440.

ClinVar aggregate classification (germline): Likely benign. Review status: criteria provided, single submitter (1 of 4 stars). 2 submissions from 2 submitters: Likely benign (1). 1 of the submissions does not count toward it. Last evaluated 2025-01-19.

Conditions:
NOTCH2-related disorder. Also called: NOTCH2-related condition.
Hajdu-Cheney syndrome (HJCYS). Also called: Acroosteolysis dominant type; ACROOSTEOLYSIS WITH OSTEOPOROSIS AND CHANGES IN SKULL AND MANDIBLE; SERPENTINE FIBULA-POLYCYSTIC KIDNEY SYNDROME. Identifiers: Orphanet 955, MedGen C0917715, MONDO:0007057, OMIM 102500.

Allele frequency attached by ClinVar (database versions not stated): ExAC 0.00002; gnomAD 0.00003; gnomAD exomes 0.00003; TOPMed 0.00003.
gnomAD v4.1: 46 of 1,613,888 alleles (0.0029%); highest among the groups gnomAD compares: Middle Eastern, 0.016%; no homozygotes.

Submissions (2):

Labcorp Genetics (formerly Invitae), Labcorp
Classification: Likely benign for Hajdu-Cheney syndrome. Last evaluated: 2025-01-19. Review status: criteria provided, single submitter. Criteria: Invitae Variant Classification Sherloc (09022015). Collection method: clinical testing. Allele origin: germline.

PreventionGenetics, part of Exact Sciences
Classification: Likely benign for NOTCH2-related condition. Last evaluated: 2023-11-22. Review status: no assertion criteria provided. Collection method: clinical testing. Allele origin: germline. Not counted in ClinVar's aggregate classification.
Comment: This variant is classified as likely benign based on ACMG/AMP sequence variant interpretation guidelines (Richards et al. 2015 PMID: 25741868, with internal and published modifications).